The following is an entry in ClinVar:

NM_001267550.2(TTN):c.170C>T (p.Ser57Phe)

Gene: TTN (titin; minus strand). Cytogenetic location: 2q31.2.
Variant type: single nucleotide variant.
Coding change: c.170C>T on transcript NM_001267550.2 (MANE Select); coding-DNA position 170, C replaced by T.
Protein change: p.Ser57Phe; replaces serine 57 with phenylalanine.
Molecular consequence: missense variant.
Genome position (GRCh38, 1-based): chr2:178,802,263, G>A on the plus strand (C>T on the coding strand, the complement: TTN is on the minus strand). VCF-style: chr2-178802263-G-A. GRCh37 (hg19) VCF-style: chr2-179666990-G-A.
Other names: c.170C>T, p.Ser57Phe (NM_001256850.1, NM_003319.4, NM_133378.4 and 3 more transcripts); short protein forms S57F.
Identifiers: ClinVar variation 1315455 (VCV001315455.2), dbSNP rs1274297049, ClinGen allele CA349531079.

ClinVar aggregate classification (germline): Uncertain significance (1 of 4 stars; one submission).

Allele frequency attached by ClinVar (database versions not stated): TOPMed below 0.00001; gnomAD 0.00001.
gnomAD v4.1: 2 of 1,614,016 alleles (0.00012%); highest among the groups gnomAD compares: Non-Finnish European, 0.000085%; no homozygotes.

Submission:

GeneDx
Classification: Uncertain significance. Last evaluated: 2020-02-07. Review status: criteria provided, single submitter. Criteria: GeneDx Variant Classification Process June 2021. Collection method: clinical testing. Allele origin: germline. Affected: yes.
Comment: Not observed in large population cohorts (Lek et al., 2016); Missense variant in a gene in which most reported pathogenic variants are truncating/loss-of-function; Has not been previously published as pathogenic or benign to our knowledge